The following is an entry in ClinVar:

NM_000112.4(SLC26A2):c.1651_1652dup (p.Ser551fs)

Gene: SLC26A2 (solute carrier family 26 member 2; plus strand). Cytogenetic location: 5q32.
Variant type: Microsatellite.
Coding change: c.1651_1652dup on transcript NM_000112.4 (MANE Select); coding-DNA positions 1651 to 1652, 2 bases duplicated (AG; older notation c.1651_1652dupAG).
Protein change: p.Ser551fs; shifts the reading frame from serine 551.
Molecular consequence: frameshift variant.
Genome position (GRCh38, 1-based): chr5:149,981,244-149,981,245, AG duplicated; duplicating any 2 consecutive bases within chr5:149,981,242-149,981,245 gives the same sequence; the c. name uses the placement nearest the transcript's 3' end. VCF-style (leftmost placement, unchanged base first): chr5-149981241-A-AAG. GRCh37 (hg19) VCF-style: chr5-149360804-A-AAG.
Other names: short protein forms S551fs.
Identifiers: ClinVar variation 4787237 (VCV004787237.1).

ClinVar aggregate classification (germline): Pathogenic (1 of 4 stars; one submission).

Conditions:
Multiple epiphyseal dysplasia type 4 (EDM4). Also called: SLC26A2-Related Multiple Epiphyseal Dysplasia; Multiple Epiphyseal Dysplasia, Recessive; MULTIPLE EPIPHYSEAL DYSPLASIA WITH BILAYERED PATELLAE; MULTIPLE EPIPHYSEAL DYSPLASIA WITH CLUBFOOT; MULTIPLE EPIPHYSEAL DYSPLASIA, AUTOSOMAL RECESSIVE. Identifiers: Orphanet 93307, MedGen C1847593, MONDO:0009189, OMIM 226900.
Diastrophic dysplasia (DTD). Also called: Diastrophic dwarfism. Identifiers: Orphanet 628, MedGen C0220726, MONDO:0009107, OMIM 222600.
Achondrogenesis, type IB (ACG1B). Also called: Achondrogenesis Type 1B. Identifiers: Orphanet 932, Orphanet 93298, MedGen C0265274, MONDO:0010966, OMIM 600972.
Atelosteogenesis type II (AO2). Also called: NEONATAL OSSEOUS DYSPLASIA I; Neonatal osseous dysplasia 1; SLC26A2-Related Atelosteogenesis. Identifiers: Orphanet 56304, MedGen C1850554, MONDO:0009727, OMIM 256050.

Submission:

Labcorp Genetics (formerly Invitae), Labcorp
Classification: Pathogenic for Atelosteogenesis type II; Multiple epiphyseal dysplasia type 4; Achondrogenesis, type IB; Diastrophic dysplasia. Last evaluated: 2026-01-11. Review status: criteria provided, single submitter. Criteria: Invitae Variant Classification Sherloc (09022015). Collection method: clinical testing. Allele origin: germline.
Comment: This sequence change creates a premature translational stop signal (p.Ser551Argfs*35) in the SLC26A2 gene. While this is not anticipated to result in nonsense mediated decay, it is expected to disrupt the last 189 amino acid(s) of the SLC26A2 protein. This variant is not present in population databases (gnomAD no frequency). This variant has not been reported in the literature in individuals affected with SLC26A2-related conditions. This variant disrupts a region of the SLC26A2 protein in which other variant(s) (p.Ala715Val) have been determined to be pathogenic (PMID: 8571951, 21077204, 21922596; internal data). This suggests that this is a clinically significant region of the protein, and that variants that disrupt it are likely to be disease-causing. For these reasons, this variant has been classified as Pathogenic.

Literature cited by the submitters: PubMed 8571951; PubMed 21077204; PubMed 21922596.